The following is an entry in ClinVar:

NM_133642.5(LARGE1):c.239G>T (p.Arg80Leu)

Gene: LARGE1 (LARGE xylosyl- and glucuronyltransferase 1; minus strand). Cytogenetic location: 22q12.3.
Variant type: single nucleotide variant.
Coding change: c.239G>T on transcript NM_133642.5 (MANE Select); coding-DNA position 239, G replaced by T.
Protein change: p.Arg80Leu; replaces arginine 80 with leucine.
Molecular consequence: missense variant.
Genome position (GRCh38, 1-based): chr22:33,650,536, C>A on the plus strand (G>T on the coding strand, the complement: LARGE1 is on the minus strand). VCF-style: chr22-33650536-C-A. GRCh37 (hg19) VCF-style: chr22-34046522-C-A.
Other names: c.239G>T, p.Arg80Leu (NM_001362949.2, NM_001362951.2, NM_001362953.2 and 7 more transcripts); short protein forms R80L.
Identifiers: ClinVar variation 661989 (VCV000661989.9), dbSNP rs761004017, ClinGen allele CA10203114.

ClinVar aggregate classification (germline): Uncertain significance (1 of 4 stars; one submission).

Conditions:
Muscular dystrophy-dystroglycanopathy type B6 (MDDGB6). Also called: MUSCULAR DYSTROPHY-DYSTROGLYCANOPATHY (CONGENITAL WITH IMPAIRED INTELLECTUAL DEVELOPMENT), TYPE B, 6; MUSCULAR DYSTROPHY, CONGENITAL, LARGE-RELATED; MUSCULAR DYSTROPHY, CONGENITAL, TYPE 1D. Identifiers: MedGen C1837229, MONDO:0012138, OMIM 608840.

Allele frequency attached by ClinVar (database versions not stated): TOPMed 0.00002; gnomAD 0.00003; gnomAD exomes 0.00003; ExAC 0.00004.
gnomAD v4.1: 28 of 1,610,592 alleles (0.0017%); highest among the groups gnomAD compares: Non-Finnish European, 0.0022%; no homozygotes.

Submission:

Labcorp Genetics (formerly Invitae), Labcorp
Classification: Uncertain significance for Muscular dystrophy-dystroglycanopathy type B6. Last evaluated: 2022-10-05. Review status: criteria provided, single submitter. Criteria: Invitae Variant Classification Sherloc (09022015). Collection method: clinical testing. Allele origin: germline.
Comment: This sequence change replaces arginine, which is basic and polar, with leucine, which is neutral and non-polar, at codon 80 of the LARGE1 protein (p.Arg80Leu). The frequency data for this variant in the population databases is considered unreliable, as metrics indicate poor data quality at this position in the gnomAD database. This variant has not been reported in the literature in individuals affected with LARGE1-related conditions. ClinVar contains an entry for this variant (Variation ID: 661989). Algorithms developed to predict the effect of missense changes on protein structure and function are either unavailable or do not agree on the potential impact of this missense change (SIFT: "Deleterious"; PolyPhen-2: "Benign"; Align-GVGD: "Class C0"). In summary, the available evidence is currently insufficient to determine the role of this variant in disease. Therefore, it has been classified as a Variant of Uncertain Significance.